The following is an entry in ClinVar:

NM_005006.7(NDUFS1):c.675C>G (p.Ile225Met)

Gene: NDUFS1 (NADH:ubiquinone oxidoreductase core subunit S1; minus strand). Cytogenetic location: 2q33.3.
Variant type: single nucleotide variant.
Coding change: c.675C>G on transcript NM_005006.7 (MANE Select); coding-DNA position 675, C replaced by G.
Protein change: p.Ile225Met; replaces isoleucine 225 with methionine.
Molecular consequence: missense variant.
Genome position (GRCh38, 1-based): chr2:206,146,965, G>C on the plus strand (C>G on the coding strand, the complement: NDUFS1 is on the minus strand). VCF-style: chr2-206146965-G-C. GRCh37 (hg19) VCF-style: chr2-207011689-G-C.
Other names: c.567C>G, p.Ile189Met (NM_001199981.2); c.342C>G, p.Ile114Met (NM_001199982.2); c.504C>G, p.Ile168Met (NM_001199983.2); c.717C>G, p.Ile239Met (NM_001199984.2); short protein forms I114M, I225M, I239M, I168M, I189M.
Identifiers: ClinVar variation 1384803 (VCV001384803.6), dbSNP rs779381916, ClinGen allele CA2070702.

ClinVar aggregate classification (germline): Uncertain significance (1 of 4 stars; one submission).

Allele frequency attached by ClinVar (database versions not stated): ExAC 0.00001; gnomAD 0.00001; gnomAD exomes 0.00001.
gnomAD v4.1: 2 of 1,614,002 alleles (0.00012%); highest among the groups gnomAD compares: Non-Finnish European, 0.00017%; no homozygotes.

Submission:

Labcorp Genetics (formerly Invitae), Labcorp
Classification: Uncertain significance. Last evaluated: 2024-10-23. Review status: criteria provided, single submitter. Criteria: Invitae Variant Classification Sherloc (09022015). Collection method: clinical testing. Allele origin: germline.
Comment: This sequence change replaces isoleucine, which is neutral and non-polar, with methionine, which is neutral and non-polar, at codon 225 of the NDUFS1 protein (p.Ile225Met). This variant is present in population databases (rs779381916, gnomAD 0.002%). This variant has not been reported in the literature in individuals affected with NDUFS1-related conditions. ClinVar contains an entry for this variant (Variation ID: 1384803). Invitae Evidence Modeling of protein sequence and biophysical properties (such as structural, functional, and spatial information, amino acid conservation, physicochemical variation, residue mobility, and thermodynamic stability) has been performed for this missense variant. However, the output from this modeling did not meet the statistical confidence thresholds required to predict the impact of this variant on NDUFS1 protein function. In summary, the available evidence is currently insufficient to determine the role of this variant in disease. Therefore, it has been classified as a Variant of Uncertain Significance.